The following is an entry in ClinVar:

ClinVar aggregate classification (germline): Uncertain significance (1 of 4 stars; one submission).

Conditions:
Congenital sideroblastic anemia-B-cell immunodeficiency-periodic fever-developmental delay syndrome. Also called: Sideroblastic anemia with B-cell immunodeficiency, periodic fevers, and developmental delay. Identifiers: Orphanet 369861, MedGen C4015172, MONDO:0014487, OMIM 616084.

gnomAD v4.1: 1 of 1,613,822 alleles (0.000062%); no homozygotes.

Submission:

Labcorp Genetics (formerly Invitae), Labcorp
Classification: Uncertain significance for Congenital sideroblastic anemia-B-cell immunodeficiency-periodic fever-developmental delay syndrome. Last evaluated: 2022-01-21. Review status: criteria provided, single submitter. Criteria: Invitae Variant Classification Sherloc (09022015). Collection method: clinical testing. Allele origin: germline.
Comment: This sequence change replaces aspartic acid, which is acidic and polar, with asparagine, which is neutral and polar, at codon 286 of the TRNT1 protein (p.Asp286Asn). This variant is not present in population databases (gnomAD no frequency). This variant has not been reported in the literature in individuals affected with TRNT1-related conditions. Algorithms developed to predict the effect of missense changes on protein structure and function (SIFT, PolyPhen-2, Align-GVGD) all suggest that this variant is likely to be tolerated. In summary, the available evidence is currently insufficient to determine the role of this variant in disease. Therefore, it has been classified as a Variant of Uncertain Significance.

NM_182916.3(TRNT1):c.856G>A (p.Asp286Asn)

Gene: TRNT1 (tRNA nucleotidyl transferase 1; plus strand). Cytogenetic location: 3p26.2.
Variant type: single nucleotide variant.
Coding change: c.856G>A on transcript NM_182916.3 (MANE Select); coding-DNA position 856, G replaced by A.
Protein change: p.Asp286Asn; replaces aspartic acid 286 with asparagine.
Molecular consequence: missense variant. On other transcripts: non-coding transcript variant (8).
Genome position (GRCh38, 1-based): chr3:3,147,503, G>A. VCF-style: chr3-3147503-G-A. GRCh37 (hg19) VCF-style: chr3-3189187-G-A.
Other names: c.796G>A, p.Asp266Asn (NM_001302946.2); c.856G>A, p.Asp286Asn (NM_001367321.1, NM_001367322.1, NM_001367323.1); short protein forms D266N, D286N.
Identifiers: ClinVar variation 2076120 (VCV002076120.1), dbSNP rs2471350199, ClinGen allele CA351447456.